The following is an entry in ClinVar:

NM_130839.5(UBE3A):c.1325C>T (p.Pro442Leu)

Genes: SNHG14 (small nucleolar RNA host gene 14; plus strand), UBE3A (ubiquitin protein ligase E3A; minus strand). Cytogenetic location: 15q11.2.
Variant type: single nucleotide variant.
Coding change: c.1325C>T on transcript NM_130839.5 (MANE Select); coding-DNA position 1325, C replaced by T.
Protein change: p.Pro442Leu; replaces proline 442 with leucine.
Molecular consequence: missense variant. On other transcripts: non-coding transcript variant (1), intron variant (2).
Genome position (GRCh38, 1-based): chr15:25,370,849, G>A on the plus strand (C>T on the coding strand, the complement: UBE3A is on the minus strand). VCF-style: chr15-25370849-G-A. GRCh37 (hg19) VCF-style: chr15-25615996-G-A.
Other names: c.1334C>T, p.Pro445Leu (NM_000462.5); c.1325C>T, p.Pro442Leu (NM_001354505.1, NM_001354538.2, NM_001354545.2); c.1265C>T, p.Pro422Leu (NM_001354506.2, NM_001354507.2, NM_001354508.2 and 17 more transcripts); c.1148C>T, p.Pro383Leu (NM_001354546.2); c.301+4616C>T (NM_001354551.2); c.361+4616C>T (NM_001354550.2); short protein forms P383L, P422L, P442L, P445L.
Identifiers: ClinVar variation 1302956 (VCV001302956.5), dbSNP rs2152820660, ClinGen allele CA391353866.

ClinVar aggregate classification (germline): Uncertain significance. Review status: criteria provided, multiple submitters, no conflicts (2 of 4 stars). 2 submissions from 2 submitters: Uncertain significance (2). Last evaluated 2023-06-05.

Conditions:
Angelman syndrome (AS). Also called: HAPPY PUPPET SYNDROME. Identifiers: Orphanet 72, MedGen C0162635, MONDO:0007113, OMIM 105830. Disease mechanism: loss of function. Inheritance: AS is caused by disruption of maternally imprinted UBE3A located within the 15q11.2-q13 Angelman syndrome/Prader-Willi syndrome (AS/PWS) region., imprinting disorder.

gnomAD v4.1: 2 of 1,613,968 alleles (0.00012%); highest among the groups gnomAD compares: Non-Finnish European, 0.00017%; no homozygotes.

Submissions (2):

Labcorp Genetics (formerly Invitae), Labcorp
Classification: Uncertain significance for Angelman syndrome. Last evaluated: 2023-06-05. Review status: criteria provided, single submitter. Criteria: Invitae Variant Classification Sherloc (09022015). Collection method: clinical testing. Allele origin: germline.
Comment: In summary, the available evidence is currently insufficient to determine the role of this variant in disease. Therefore, it has been classified as a Variant of Uncertain Significance. Advanced modeling of protein sequence and biophysical properties (such as structural, functional, and spatial information, amino acid conservation, physicochemical variation, residue mobility, and thermodynamic stability) performed at Invitae indicates that this missense variant is expected to disrupt UBE3A protein function. ClinVar contains an entry for this variant (Variation ID: 1302956). This variant has not been reported in the literature in individuals affected with UBE3A-related conditions. This variant is not present in population databases (gnomAD no frequency). This sequence change replaces proline, which is neutral and non-polar, with leucine, which is neutral and non-polar, at codon 422 of the UBE3A protein (p.Pro422Leu).

GeneDx
Classification: Uncertain significance. Last evaluated: 2020-06-16. Review status: criteria provided, single submitter. Criteria: GeneDx Variant Classification Process June 2021. Collection method: clinical testing. Allele origin: germline. Affected: yes.
Comment: Not observed in large population cohorts (Lek et al., 2016); In silico analysis supports that this missense variant has a deleterious effect on protein structure/function; Has not been previously published as pathogenic or benign to our knowledge